The following is an entry in ClinVar:

NM_000414.4(HSD17B4):c.1209+1G>T

Gene: HSD17B4 (hydroxysteroid 17-beta dehydrogenase 4; plus strand). Cytogenetic location: 5q23.1.
Variant type: single nucleotide variant.
Coding change: c.1209+1G>T on transcript NM_000414.4 (MANE Select); the canonical splice donor site of the intron after coding-DNA position 1209, G replaced by T.
Molecular consequence: splice donor variant.
Genome position (GRCh38, 1-based): chr5:119,499,554, G>T. VCF-style: chr5-119499554-G-T. GRCh37 (hg19) VCF-style: chr5-118835249-G-T.
Other names: c.798+1G>T (NM_001374503.1, NM_001374502.1, NM_001374501.1); c.1284+1G>T (NM_001199291.3); c.882+1G>T (NM_001374499.1); c.768+1G>T (NM_001374500.1); c.789+1G>T (NM_001292028.2); c.1137+1G>T (NM_001292027.2); c.1209+1G>T (NM_001374498.1); c.1200+1G>T (NM_001374497.1); and 1 more.
Identifiers: ClinVar variation 5004222 (VCV005004222.1).

ClinVar aggregate classification (germline): Likely pathogenic (1 of 4 stars; one submission).

Conditions:
Bifunctional peroxisomal enzyme deficiency (DBIF). Also called: PBFE DEFICIENCY; D-bifunctional protein deficiency; DBP DEFICIENCY. Identifiers: Orphanet 300, MedGen C0342870, MONDO:0009855, OMIM 261515. Disease mechanism: loss of function.

gnomAD v4.1: 1 of 1,569,726 alleles (0.000064%); highest among the groups gnomAD compares: East Asian, 0.0022%; no homozygotes.

Submission:

Myriad Genetics, Inc.
Classification: Likely pathogenic for Bifunctional peroxisomal enzyme deficiency. Last evaluated: 2025-10-15. Review status: criteria provided, single submitter. Criteria: Myriad Autosomal Dominant, Autosomal Recessive and X-Linked Classification Criteria (2023). Collection method: clinical testing. Allele origin: unknown.
Comment: NM_000414.3(HSD17B4):c.1209+1G>T is a variant in a canonical splice site classified as likely pathogenic in the context of HSD17B4-related disorders. c.1209+1G>T has been observed in cases with relevant disease (PMID: 36511274). Relevant functional assessments of this variant are not available in the literature. c.1209+1G>T has not been observed in referenced population frequency databases. In summary, NM_000414.3(HSD17B4):c.1209+1G>T is a variant in a canonical splice site that has been observed more frequently in cases with the relevant disease than in healthy populations. Please note: this variant was assessed in the context of healthy population screening.

Literature cited by the submitters: PubMed 36511274.